The following is an entry in ClinVar:

NM_000206.3(IL2RG):c.376del (p.Gln126fs)

Gene: IL2RG (interleukin 2 receptor subunit gamma; minus strand). Cytogenetic location: Xq13.1.
Variant type: Deletion.
Coding change: c.376del on transcript NM_000206.3 (MANE Select); coding-DNA position 376, one base deleted (C; older notation c.376delC).
Protein change: p.Gln126fs; shifts the reading frame from glutamine 126.
Molecular consequence: frameshift variant.
Genome position (GRCh38, 1-based): chrX:71,110,582, G deleted on the plus strand (C on the coding strand, the reverse complement: IL2RG is on the minus strand); the first of 2 consecutive G bases (chrX:71,110,582-71,110,583); deleting either gives the same sequence. VCF-style (leftmost placement, unchanged base first): chrX-71110581-TG-T. GRCh37 (hg19) VCF-style: chrX-70330431-TG-T.
Other names: short protein forms Q126fs.
Identifiers: ClinVar variation 2030295 (VCV002030295.4), dbSNP rs2519647139, ClinGen allele CA2580101342.

ClinVar aggregate classification (germline): Pathogenic (1 of 4 stars; one submission).

Conditions:
X-linked severe combined immunodeficiency (SCIDX1). Also called: IMMUNODEFICIENCY 4; SCID, X-LINKED; SEVERE COMBINED IMMUNODEFICIENCY, X-LINKED, T CELL-NEGATIVE, B CELL-POSITIVE, NK CELL-NEGATIVE; T-B+ severe combined immunodeficiency due to gamma chain deficiency; X-Linked Combined Immunodeficiency Diseases. Identifiers: Orphanet 276, MedGen C6022468, MONDO:0010315, OMIM 300400. Disease mechanism: loss of function.

Submission:

Labcorp Genetics (formerly Invitae), Labcorp
Classification: Pathogenic for X-linked severe combined immunodeficiency. Last evaluated: 2025-08-11. Review status: criteria provided, single submitter. Criteria: Invitae Variant Classification Sherloc (09022015). Collection method: clinical testing. Allele origin: germline.
Comment: This sequence change creates a premature translational stop signal (p.Gln126Lysfs*21) in the IL2RG gene. It is expected to result in an absent or disrupted protein product. Loss-of-function variants in IL2RG are known to be pathogenic (PMID: 9058718, 10794430). This variant is not present in population databases (gnomAD no frequency). This variant has not been reported in the literature in individuals affected with IL2RG-related conditions. ClinVar contains an entry for this variant (Variation ID: 2030295). For these reasons, this variant has been classified as Pathogenic.

Literature cited by the submitters: PubMed 9058718; PubMed 10794430.